The following is an entry in ClinVar:

ClinVar aggregate classification (germline): Uncertain significance (1 of 4 stars; one submission).

Conditions:
Hereditary insensitivity to pain with anhidrosis (CIPA). Also called: hereditary sensory and autonomic neuropathy type 4; NEUROPATHY, CONGENITAL SENSORY, WITH ANHIDROSIS; FAMILIAL DYSAUTONOMIA, TYPE II; INSENSITIVITY TO PAIN, CONGENITAL, WITH ANHIDROSIS; HSAN Type IV; NTRK1 Congenital Insensitivity to Pain with Anhidrosis. Identifiers: Orphanet 642, MedGen C0020074, MONDO:0009746, OMIM 256800.

Allele frequency attached by ClinVar (database versions not stated): ExAC 0.00001; gnomAD exomes 0.00001.
gnomAD v4.1: 3 of 1,614,058 alleles (0.00019%); highest among the groups gnomAD compares: South Asian, 0.0011%; no homozygotes.

Submission:

Labcorp Genetics (formerly Invitae), Labcorp
Classification: Uncertain significance for Hereditary insensitivity to pain with anhidrosis. Last evaluated: 2022-07-28. Review status: criteria provided, single submitter. Criteria: Invitae Variant Classification Sherloc (09022015). Collection method: clinical testing. Allele origin: germline.
Comment: This sequence change replaces arginine, which is basic and polar, with cysteine, which is neutral and slightly polar, at codon 104 of the NTRK1 protein (p.Arg104Cys). This variant is present in population databases (rs746825886, gnomAD 0.002%). This variant has not been reported in the literature in individuals affected with NTRK1-related conditions. Advanced modeling of protein sequence and biophysical properties (such as structural, functional, and spatial information, amino acid conservation, physicochemical variation, residue mobility, and thermodynamic stability) performed at Invitae indicates that this missense variant is not expected to disrupt NTRK1 protein function. In summary, the available evidence is currently insufficient to determine the role of this variant in disease. Therefore, it has been classified as a Variant of Uncertain Significance.

NM_002529.4(NTRK1):c.310C>T (p.Arg104Cys)

Gene: NTRK1 (neurotrophic receptor tyrosine kinase 1; plus strand). Cytogenetic location: 1q23.1.
Variant type: single nucleotide variant.
Coding change: c.310C>T on transcript NM_002529.4 (MANE Select); coding-DNA position 310, C replaced by T.
Protein change: p.Arg104Cys; replaces arginine 104 with cysteine.
Molecular consequence: missense variant.
Genome position (GRCh38, 1-based): chr1:156,864,750, C>T. VCF-style: chr1-156864750-C-T. GRCh37 (hg19) VCF-style: chr1-156834542-C-T.
Other names: c.310C>T, p.Arg104Cys (NM_001007204.1, NM_001012331.2); c.220C>T, p.Arg74Cys (NM_001007792.1); short protein forms R104C, R74C.
Identifiers: ClinVar variation 1945792 (VCV001945792.2), dbSNP rs746825886, ClinGen allele CA1168909.
Genomic context (GRCh38, chr1:156,864,750, plus strand): 5'-TGAGACCTGGGGACTGATCCTCCTGCACCCCTCCCCAGCACCATCGTGAAGAGTGGTCTC[C>T]GTTTCGTGGCGCCAGATGCCTTCCATTTCACTCCTCGGCTCAGTCGCCTGTGAGTGTGGC-3'
Protein context (NP_002520.2, residues 94-114): RNLTIVKSGL[Arg104Cys]FVAPDAFHFT